The following is an entry in ClinVar:

NM_001367561.1(DOCK7):c.6381-3dup

Gene: DOCK7 (dedicator of cytokinesis 7; minus strand). Cytogenetic location: 1p31.3.
Variant type: Duplication.
Coding change: c.6381-3dup on transcript NM_001367561.1 (MANE Select); 3 bases into the intron before coding-DNA position 6381, one base duplicated (C; older notation c.6381-3dupC).
Molecular consequence: intron variant.
Genome position (GRCh38, 1-based): chr1:62,455,459, G duplicated on the plus strand (C on the coding strand, the reverse complement: DOCK7 is on the minus strand); the first of 3 consecutive G bases (chr1:62,455,459-62,455,461); duplicating any one gives the same sequence. VCF-style (leftmost placement, unchanged base first): chr1-62455458-T-TG. GRCh37 (hg19) VCF-style: chr1-62921129-T-TG.
Other names: c.6348-3dupC (NM_001271999.1); c.6255-3dup (NM_001272001.2); c.6261-3dup (NM_001272000.2); c.6288-3dup (NM_033407.4); c.6348-3dup (NM_001271999.2); c.6354-3dup (NM_001330614.2).
Identifiers: ClinVar variation 762509 (VCV000762509.14), dbSNP rs774039786, ClinGen allele CA885206.

ClinVar aggregate classification (germline): Conflicting classifications of pathogenicity. Review status: criteria provided, conflicting classifications (1 of 4 stars). 3 submissions from 3 submitters: Uncertain significance (1); Likely benign (1). 1 of the submissions does not count toward it. Last evaluated 2025-07-27.

Conditions:
DOCK7-related disorder. Also called: DOCK7-related condition.
Developmental and epileptic encephalopathy, 23 (DEE23). Also called: Epileptic encephalopathy, early infantile, 23. Identifiers: Orphanet 411986, MedGen C4014492, MONDO:0014371, OMIM 615859.

Submissions (3):

Labcorp Genetics (formerly Invitae), Labcorp
Classification: Likely benign for Developmental and epileptic encephalopathy, 23. Last evaluated: 2025-07-27. Review status: criteria provided, single submitter. Criteria: Invitae Variant Classification Sherloc (09022015). Collection method: clinical testing. Allele origin: germline.

GeneDx
Classification: Uncertain significance. Last evaluated: 2025-06-03. Review status: criteria provided, single submitter. Criteria: GeneDx Variant Classification Process June 2021. Collection method: clinical testing. Allele origin: germline. Affected: yes.
Comment: Not observed at significant frequency in large population cohorts (gnomAD); In silico analysis suggests that this variant does not alter splicing; Has not been previously published as pathogenic or benign to our knowledge

PreventionGenetics, part of Exact Sciences
Classification: Likely benign for DOCK7-related condition. Last evaluated: 2020-10-21. Review status: no assertion criteria provided. Collection method: clinical testing. Allele origin: germline. Not counted in ClinVar's aggregate classification.
Comment: This variant is classified as likely benign based on ACMG/AMP sequence variant interpretation guidelines (Richards et al. 2015 PMID: 25741868, with internal and published modifications).